The following is an entry in ClinVar:

ClinVar aggregate classification (germline): Uncertain significance. Review status: criteria provided, multiple submitters, no conflicts (2 of 4 stars). 2 submissions from 2 submitters: Uncertain significance (2). Last evaluated 2024-03-13.

Allele frequency attached by ClinVar (database versions not stated): gnomAD exomes below 0.00001.
gnomAD v4.1: 1 of 1,613,826 alleles (0.000062%); highest among the groups gnomAD compares: Non-Finnish European, 0.000085%; no homozygotes.

Submissions (2):

Labcorp Genetics (formerly Invitae), Labcorp
Classification: Uncertain significance. Last evaluated: 2024-03-13. Review status: criteria provided, single submitter. Criteria: Invitae Variant Classification Sherloc (09022015). Collection method: clinical testing. Allele origin: germline.
Comment: This sequence change replaces cysteine, which is neutral and slightly polar, with tyrosine, which is neutral and polar, at codon 1099 of the POLR3B protein (p.Cys1099Tyr). This variant is not present in population databases (gnomAD no frequency). This variant has not been reported in the literature in individuals affected with POLR3B-related conditions. ClinVar contains an entry for this variant (Variation ID: 2108529). Advanced modeling of protein sequence and biophysical properties (such as structural, functional, and spatial information, amino acid conservation, physicochemical variation, residue mobility, and thermodynamic stability) performed at Invitae indicates that this missense variant is not expected to disrupt POLR3B protein function with a negative predictive value of 80%. In summary, the available evidence is currently insufficient to determine the role of this variant in disease. Therefore, it has been classified as a Variant of Uncertain Significance.

Blueprint Genetics
Classification: Uncertain significance. Last evaluated: 2023-01-09. Review status: criteria provided, single submitter. Criteria: ACMG Guidelines, 2015. Collection method: clinical testing. Allele origin: germline.

NM_018082.6(POLR3B):c.3296G>A (p.Cys1099Tyr)

Genes: POLR3B (RNA polymerase III subunit B; plus strand), RFX4-AS1 (RFX4 antisense RNA 1; minus strand). Cytogenetic location: 12q23.3.
Variant type: single nucleotide variant.
Coding change: c.3296G>A on transcript NM_018082.6 (MANE Select); coding-DNA position 3296, G replaced by A.
Protein change: p.Cys1099Tyr; replaces cysteine 1099 with tyrosine.
Molecular consequence: missense variant.
Genome position (GRCh38, 1-based): chr12:106,509,443, G>A. VCF-style: chr12-106509443-G-A. GRCh37 (hg19) VCF-style: chr12-106903221-G-A.
Other names: c.3122G>A, p.Cys1041Tyr (NM_001160708.2); short protein forms C1041Y, C1099Y.
Identifiers: ClinVar variation 2108529 (VCV002108529.5), dbSNP rs2542265476, ClinGen allele CA386394558.